The following is an entry in ClinVar:

ClinVar aggregate classification (germline): Conflicting classifications of pathogenicity. Review status: criteria provided, conflicting classifications (1 of 4 stars). 2 submissions from 2 submitters: Pathogenic (1); Uncertain significance (1). Last evaluated 2025-06-23.

Allele frequency attached by ClinVar (database versions not stated): gnomAD exomes 0.00001 and 0.00003; ExAC 0.00002; TOPMed 0.00002.
gnomAD v4.1: 24 of 1,613,796 alleles (0.0015%); highest among the groups gnomAD compares: Non-Finnish European, 0.00025%; no homozygotes.

Submissions (2):

Labcorp Genetics (formerly Invitae), Labcorp
Classification: Pathogenic. Last evaluated: 2025-06-23. Review status: criteria provided, single submitter. Criteria: Invitae Variant Classification Sherloc (09022015). Collection method: clinical testing. Allele origin: germline.
Comment: This sequence change creates a premature translational stop signal (p.Leu1502*) in the MYO3A gene. It is expected to result in an absent or disrupted protein product. Loss-of-function variants in MYO3A are known to be pathogenic (PMID: 12032315, 23990876). This variant is present in population databases (rs754217606, gnomAD 0.05%). This variant has not been reported in the literature in individuals affected with MYO3A-related conditions. ClinVar contains an entry for this variant (Variation ID: 631634). For these reasons, this variant has been classified as Pathogenic.

GeneDx
Classification: Uncertain significance. Last evaluated: 2021-05-11. Review status: criteria provided, single submitter. Criteria: GeneDx Variant Classification Process June 2021. Collection method: clinical testing. Allele origin: germline. Affected: yes.
Comment: Nonsense variant predicted to result in protein truncation or nonsense mediated decay in a gene for which loss-of-function is a known mechanism of disease; Has not been previously published as pathogenic or benign to our knowledge

Literature cited by the submitters: PubMed 12032315 (cited by Labcorp Genetics (formerly Invitae), Labcorp); PubMed 23990876 (cited by Labcorp Genetics (formerly Invitae), Labcorp).

NM_017433.5(MYO3A):c.4505T>G (p.Leu1502Ter)

Gene: MYO3A (myosin IIIA; plus strand). Cytogenetic location: 10p12.1.
Variant type: single nucleotide variant.
Coding change: c.4505T>G on transcript NM_017433.5 (MANE Select); coding-DNA position 4505, T replaced by G.
Protein change: p.Leu1502Ter; replaces leucine 1502 with a stop codon.
Molecular consequence: nonsense.
Genome position (GRCh38, 1-based): chr10:26,193,271, T>G. VCF-style: chr10-26193271-T-G. GRCh37 (hg19) VCF-style: chr10-26482200-T-G.
Other names: short protein forms L1502*.
Identifiers: ClinVar variation 631634 (VCV000631634.11), dbSNP rs754217606, ClinGen allele CA5445487.